The following is an entry in ClinVar:

NM_001077365.2(POMT1):c.1426C>G (p.Leu476Val)

Gene: POMT1 (protein O-mannosyltransferase 1; plus strand). Cytogenetic location: 9q34.13.
Variant type: single nucleotide variant.
Coding change: c.1426C>G on transcript NM_001077365.2 (MANE Select); coding-DNA position 1426, C replaced by G.
Protein change: p.Leu476Val; replaces leucine 476 with valine.
Molecular consequence: missense variant. On other transcripts: non-coding transcript variant (10), intron variant (1).
Genome position (GRCh38, 1-based): chr9:131,518,897, C>G. VCF-style: chr9-131518897-C-G. GRCh37 (hg19) VCF-style: chr9-134394284-C-G.
Other names: c.1365+360C>G (NM_001374690.1); c.1075C>G, p.Leu359Val (NM_001374691.1, NM_001374692.1, NM_001374693.1 and 2 more transcripts); c.1036C>G, p.Leu346Val (NM_001374695.1); c.1492C>G, p.Leu498Val (NM_007171.4, NM_001353193.2); c.1264C>G, p.Leu422Val (NM_001077366.2, NM_001353194.2); c.1426C>G, p.Leu476Val (NM_001136113.2); c.1336C>G, p.Leu446Val (NM_001353196.2); c.1330C>G, p.Leu444Val (NM_001353197.2, NM_001353198.2); and 3 more; short protein forms L324V, L346V, L359V, L381V, L422V, L444V, L446V, L472V.
Identifiers: ClinVar variation 1003504 (VCV001003504.9), dbSNP rs1949310812, ClinGen allele CA375311949.
Genomic context (GRCh38, chr9:131,518,897, plus strand): 5'-CTGAGCGGGGCTCACCTCCCTGACTGGGGGTATCGGCAACTGGAGATCGTCGGGGAGAAG[C>G]TGTCCCGGGGCTACCACGGGAGCACGGTGTGGAACGTGGAGGAGCACCGATACGGCGCGA-3'
Protein context (NP_001070833.1, residues 466-486): YRQLEIVGEK[Leu476Val]SRGYHGSTVW

ClinVar aggregate classification (germline): Uncertain significance (1 of 4 stars; one submission).

Conditions:
Muscular dystrophy-dystroglycanopathy (congenital with impaired intellectual development), type B, 1. Also called: MUSCULAR DYSTROPHY, CONGENITAL, POMT1-RELATED; Muscular dystrophy-dystroglycanopathy (congenital with intellectual disability), type B1. Identifiers: MedGen C5436962, MONDO:0013159, OMIM 613155.
Autosomal recessive limb-girdle muscular dystrophy type 2K. Also called: MUSCULAR DYSTROPHY-DYSTROGLYCANOPATHY (LIMB-GIRDLE), TYPE C, 1; MUSCULAR DYSTROPHY, LIMB-GIRDLE, TYPE 2K. Identifiers: Orphanet 86812, MedGen C1836373, MONDO:0012248, OMIM 609308.
Walker-Warburg congenital muscular dystrophy. Also called: Muscular dystrophy-dystroglycanopathy, type A; Walker-Warburg syndrome. Identifiers: Orphanet 899, MedGen C0265221, MONDO:0000171.

Submission:

Labcorp Genetics (formerly Invitae), Labcorp
Classification: Uncertain significance for Muscular dystrophy-dystroglycanopathy (congenital with impaired intellectual development), type B, 1; Walker-Warburg congenital muscular dystrophy; Autosomal recessive limb-girdle muscular dystrophy type 2K. Last evaluated: 2020-05-21. Review status: criteria provided, single submitter. Criteria: Invitae Variant Classification Sherloc (09022015). Collection method: clinical testing. Allele origin: germline.
Comment: In summary, the available evidence is currently insufficient to determine the role of this variant in disease. Therefore, it has been classified as a Variant of Uncertain Significance. Algorithms developed to predict the effect of sequence changes on RNA splicing suggest that this variant may create or strengthen a splice site, but this prediction has not been confirmed by published transcriptional studies. Algorithms developed to predict the effect of missense changes on protein structure and function output the following: SIFT: "Tolerated"; PolyPhen-2: "Benign"; Align-GVGD: "Class C0". The valine amino acid residue is found in multiple mammalian species, suggesting that this missense change does not adversely affect protein function. These predictions have not been confirmed by published functional studies and their clinical significance is uncertain. This variant has not been reported in the literature in individuals with POMT1-related conditions. This variant is not present in population databases (ExAC no frequency). This sequence change replaces leucine with valine at codon 498 of the POMT1 protein (p.Leu498Val). The leucine residue is moderately conserved and there is a small physicochemical difference between leucine and valine.